The following is an entry in ClinVar:

NM_001365999.1(SZT2):c.3808C>T (p.Gln1270Ter)

Gene: SZT2 (SZT2 subunit of KICSTOR complex; plus strand). Cytogenetic location: 1p34.2.
Variant type: single nucleotide variant.
Coding change: c.3808C>T on transcript NM_001365999.1 (MANE Select); coding-DNA position 3808, C replaced by T.
Protein change: p.Gln1270Ter; replaces glutamine 1270 with a stop codon.
Molecular consequence: nonsense.
Genome position (GRCh38, 1-based): chr1:43,428,007, C>T. VCF-style: chr1-43428007-C-T. GRCh37 (hg19) VCF-style: chr1-43893678-C-T.
Other names: c.3637C>T, p.Gln1213Ter (NM_015284.4); short protein forms Q1270*, Q1213*.
Identifiers: ClinVar variation 2031662 (VCV002031662.4), dbSNP rs2545820987, ClinGen allele CA340019355.
Genomic context (GRCh38, chr1:43,428,007, plus strand): 5'-GTGTGAGGTATCACTTAAGGGAGTTGGTCAAGTTCCATTTTCCCTTCGTTTCCTAGGACT[C>T]AGTTCCTCGACCACCCCTCCCCATCCTCAGCCTGGATGGAACCCCGGTACAAGGAGGCAG-3'

ClinVar aggregate classification (germline): Pathogenic (1 of 4 stars; one submission).

Submission:

Labcorp Genetics (formerly Invitae), Labcorp
Classification: Pathogenic. Last evaluated: 2022-09-21. Review status: criteria provided, single submitter. Criteria: Invitae Variant Classification Sherloc (09022015). Collection method: clinical testing. Allele origin: germline.
Comment: For these reasons, this variant has been classified as Pathogenic. This variant has not been reported in the literature in individuals affected with SZT2-related conditions. This variant is not present in population databases (gnomAD no frequency). This sequence change creates a premature translational stop signal (p.Gln1213*) in the SZT2 gene. It is expected to result in an absent or disrupted protein product. Loss-of-function variants in SZT2 are known to be pathogenic (PMID: 23932106, 27248490, 28556953).

Literature cited by the submitters: PubMed 23932106; PubMed 27248490; PubMed 28556953.